The following is an entry in ClinVar:

NM_000531.6(OTC):c.248G>A (p.Gly83Asp)

Gene: OTC (ornithine transcarbamylase; plus strand). Cytogenetic location: Xp11.4.
Variant type: single nucleotide variant.
Coding change: c.248G>A on transcript NM_000531.6 (MANE Select); coding-DNA position 248, G replaced by A.
Protein change: p.Gly83Asp; replaces glycine 83 with aspartic acid.
Molecular consequence: missense variant.
Genome position (GRCh38, 1-based): chrX:38,369,827, G>A. VCF-style: chrX-38369827-G-A. GRCh37 (hg19) VCF-style: chrX-38229080-G-A.
Other names: short protein forms G83D.
Identifiers: ClinVar variation 97144 (VCV000097144.2), dbSNP rs72554337, ClinGen allele CA224519.

ClinVar aggregate classification (germline): Pathogenic (0 of 4 stars; one submission).

Submission:

GenMed Metabolism Lab
Classification: Pathogenic. Review status: no assertion criteria provided. Collection method: not provided. Allele origin: unknown.
Comment: p.Gly83Asp, Neonatal
ClinVar note: Converted during submission from pathogenic to Pathogenic.